The following is an entry in ClinVar:

NM_017988.6(SCYL2):c.446T>C (p.Leu149Pro)

Gene: SCYL2 (SCY1 like pseudokinase 2; plus strand). Cytogenetic location: 12q23.1.
Variant type: single nucleotide variant.
Coding change: c.446T>C on transcript NM_017988.6 (MANE Select); coding-DNA position 446, T replaced by C.
Protein change: p.Leu149Pro; replaces leucine 149 with proline.
Molecular consequence: missense variant. On other transcripts: 5 prime UTR variant (1).
Genome position (GRCh38, 1-based): chr12:100,298,141, T>C. VCF-style: chr12-100298141-T-C. GRCh37 (hg19) VCF-style: chr12-100691919-T-C.
Other names: c.446T>C, p.Leu149Pro (NM_001330254.2, NM_001317784.2, NM_001330253.2); c.-74T>C (NM_001330256.2); short protein forms L149P.
Identifiers: ClinVar variation 2690938 (VCV002690938.1), dbSNP rs2096323173.

ClinVar aggregate classification (germline): Uncertain significance (1 of 4 stars; one submission).

Allele frequency attached by ClinVar (database versions not stated): gnomAD exomes below 0.00001; gnomAD 0.00001.
gnomAD v4.1: 3 of 1,585,464 alleles (0.00019%); highest among the groups gnomAD compares: South Asian, 0.0035%; no homozygotes.

Submission:

GeneDx
Classification: Uncertain significance. Last evaluated: 2024-01-18. Review status: criteria provided, single submitter. Criteria: GeneDx Variant Classification Process June 2021. Collection method: clinical testing. Allele origin: germline. Affected: yes.
Comment: Not observed at significant frequency in large population cohorts (gnomAD); In silico analysis supports that this missense variant has a deleterious effect on protein structure/function.